The following is an entry in ClinVar:

ClinVar aggregate classification (germline): Likely pathogenic (1 of 4 stars; one submission).

Submission:

Labcorp Genetics (formerly Invitae), Labcorp
Classification: Likely pathogenic. Last evaluated: 2022-05-11. Review status: criteria provided, single submitter. Criteria: Invitae Variant Classification Sherloc (09022015). Collection method: clinical testing. Allele origin: germline.
Comment: This sequence change affects a donor splice site in intron 4 of the HNF1B gene. It is expected to disrupt RNA splicing. Variants that disrupt the donor or acceptor splice site typically lead to a loss of protein function (PMID: 16199547), and loss-of-function variants in HNF1B are known to be pathogenic (PMID: 9398836, 12148114, 15068978, 20378641). This variant is not present in population databases (gnomAD no frequency). This variant has not been reported in the literature in individuals affected with HNF1B-related conditions. Algorithms developed to predict the effect of sequence changes on RNA splicing suggest that this variant may disrupt the consensus splice site. In summary, the currently available evidence indicates that the variant is pathogenic, but additional data are needed to prove that conclusively. Therefore, this variant has been classified as Likely Pathogenic.

Literature cited by the submitters: PubMed 16199547; PubMed 9398836; PubMed 12148114; PubMed 15068978; PubMed 20378641.

NM_000458.4(HNF1B):c.1045+1G>A

Gene: HNF1B (HNF1 homeobox B; minus strand). Cytogenetic location: 17q12.
Variant type: single nucleotide variant.
Coding change: c.1045+1G>A on transcript NM_000458.4 (MANE Select); the canonical splice donor site of the intron after coding-DNA position 1045, G replaced by A.
Molecular consequence: splice donor variant.
Genome position (GRCh38, 1-based): chr17:37,731,594, C>T on the plus strand (G>A on the coding strand, the complement: HNF1B is on the minus strand). VCF-style: chr17-37731594-C-T. GRCh37 (hg19) VCF-style: chr17-36091585-C-T.
Other names: c.967+1G>A (NM_001304286.2, NM_001165923.4); c.1045+1G>A (NM_001411100.1).
Identifiers: ClinVar variation 1993125 (VCV001993125.4), dbSNP rs2511799961, ClinGen allele CA398745801.